The following is an entry in ClinVar:

NM_032043.3(BRIP1):c.3362_3363del (p.Asp1120_Phe1121insTer)

Gene: BRIP1 (BRCA1 interacting DNA helicase 1; minus strand). Cytogenetic location: 17q23.2.
Variant type: Deletion.
Coding change: c.3362_3363del on transcript NM_032043.3 (MANE Select); coding-DNA positions 3362 to 3363, 2 bases deleted (TT; older notation c.3362_3363delTT).
Protein change: p.Asp1120_Phe1121insTer.
Molecular consequence: nonsense.
Genome position (GRCh38, 1-based): chr17:61,683,683-61,683,684, AA deleted on the plus strand (TT on the coding strand, the reverse complement: BRIP1 is on the minus strand); deleting any 2 consecutive bases within chr17:61,683,683-61,683,686 gives the same sequence; the c. name uses the placement nearest the transcript's 3' end. VCF-style (leftmost placement, unchanged base first): chr17-61683682-CAA-C. GRCh37 (hg19) VCF-style: chr17-59761043-CAA-C.
Identifiers: ClinVar variation 2774981 (VCV002774981.2), dbSNP rs2544557156, ClinGen allele CA2697555054.

ClinVar aggregate classification (germline): Likely pathogenic (1 of 4 stars; one submission).

Conditions:
Hereditary cancer-predisposing syndrome. Also called: Neoplastic Syndromes, Hereditary; Tumor predisposition; Hereditary Cancer Syndrome; Hereditary neoplastic syndrome. Identifiers: Orphanet 140162, MedGen C0027672, MeSH D009386, MONDO:0015356.

Submission:

Color Diagnostics, LLC DBA Color Health
Classification: Likely pathogenic for Hereditary cancer-predisposing syndrome. Last evaluated: 2023-03-07. Review status: criteria provided, single submitter. Criteria: ACMG Guidelines, 2015. Collection method: clinical testing. Allele origin: germline.
Comment: This variant deletes 2 nucleotides in exon 20 of the BRIP1 gene, creating a frameshift and premature translation stop signal in the last exon. The mutant transcript is expected to escape nonsense-mediated decay and be expressed as a truncated protein that lacks the last 128 amino acids at the C-terminus. The truncated protein is expected to have a disrupted the TopBP1 binding domain (a.a. 1106-1178) and an acetylation site (p.Lys1249) in the C-terminus, which have been reported to play an important role in DNA replication-stress response and maintaining genomic stability (PMID: 20159562, 21127055, 22792074). To our knowledge, this variant has not been reported in individuals affected with BRIP1-related disorders in the literature. This variant has not been identified in the general population by the Genome Aggregation Database (gnomAD). Multiple truncation variants that occur downstream of this variant are reported as disease-causing in ClinVar (e.g. c.3390_3393del (p.Tyr1131Leufs*18), ClinVar variation ID: 229712). Although the exact mechanism by which this variant causes disease is yet to be determined, the available evidence indicates that this variant is likely to disrupt normal BRIP1 protein function. Therefore, this variant is classified as Likely Pathogenic.

Literature cited by the submitters: PubMed 20159562; PubMed 21127055; PubMed 22792074.